The following is an entry in ClinVar:

ClinVar aggregate classification (germline): Uncertain significance (1 of 4 stars; one submission).

Submission:

GeneDx
Classification: Uncertain significance. Last evaluated: 2023-02-27. Review status: criteria provided, single submitter. Criteria: GeneDx Variant Classification Process June 2021. Collection method: clinical testing. Allele origin: germline. Affected: yes.
Comment: Not observed at significant frequency in large population cohorts (gnomAD); In silico analysis supports that this missense variant does not alter protein structure/function; Has not been previously published as pathogenic or benign to our knowledge

NM_006160.4(NEUROD2):c.143C>T (p.Ala48Val)

Gene: NEUROD2 (neuronal differentiation 2; minus strand). Cytogenetic location: 17q12.
Variant type: single nucleotide variant.
Coding change: c.143C>T on transcript NM_006160.4 (MANE Select); coding-DNA position 143, C replaced by T.
Protein change: p.Ala48Val; replaces alanine 48 with valine.
Molecular consequence: missense variant.
Genome position (GRCh38, 1-based): chr17:39,606,457, G>A on the plus strand (C>T on the coding strand, the complement: NEUROD2 is on the minus strand). VCF-style: chr17-39606457-G-A. GRCh37 (hg19) VCF-style: chr17-37762710-G-A.
Other names: short protein forms A48V.
Identifiers: ClinVar variation 2577705 (VCV002577705.1), dbSNP rs2545858578, ClinGen allele CA399259112.